The following is an entry in ClinVar:

NM_000030.3(AGXT):c.738G>A (p.Trp246Ter)

Gene: AGXT (alanine--glyoxylate aminotransferase; plus strand). Cytogenetic location: 2q37.3.
Variant type: single nucleotide variant.
Coding change: c.738G>A on transcript NM_000030.3 (MANE Select); coding-DNA position 738, G replaced by A.
Protein change: p.Trp246Ter; replaces tryptophan 246 with a stop codon.
Molecular consequence: nonsense.
Genome position (GRCh38, 1-based): chr2:240,875,166, G>A. VCF-style: chr2-240875166-G-A. GRCh37 (hg19) VCF-style: chr2-241814583-G-A.
Other names: short protein forms W246*.
Identifiers: ClinVar variation 5649 (VCV000005649.6), dbSNP rs121908528, ClinGen allele CA340447.

ClinVar aggregate classification (germline): Pathogenic. Review status: criteria provided, multiple submitters, no conflicts (2 of 4 stars). 5 submissions from 5 submitters: Pathogenic (2). 3 of the submissions do not count toward it. Last evaluated 2024-10-17.

Conditions:
Primary hyperoxaluria, type I (HP1). Also called: GLYCOLIC ACIDURIA; HEPATIC AGT DEFICIENCY; OXALOSIS I; Primary hyperoxaluria type 1. Identifiers: Orphanet 416, Orphanet 93598, MedGen C0268164, MONDO:0009823, OMIM 259900. Disease mechanism: loss of function.

Allele frequency attached by ClinVar (database versions not stated): gnomAD exomes below 0.00001.
gnomAD v4.1: 2 of 1,614,056 alleles (0.00012%); highest among the groups gnomAD compares: Non-Finnish European, 0.00017%; no homozygotes.

Submissions (5):

Natera, Inc.
Classification: Pathogenic for Primary hyperoxaluria type I. Last evaluated: 2024-10-17. Review status: criteria provided, single submitter. Criteria: Natera Variant Classification Schema (03/2026). Collection method: clinical testing. Allele origin: germline.
Comment: The c.738G>A variant in AGXT is a nonsense variant predicted to introduce a stop codon at amino acid 246. This variant is expected to result in nonsense mediated decay, truncation, or a dysfunctional protein product. This variant is rare in the general population with a frequency below the threshold expected for the associated phenotype(s). This variant has been observed in one or more individuals affected with the associated recessive disease, as either homozygous or compound heterozygous with a second variant (PMID: 17460142, 25629080). Given the available evidence, this variant is classified as Pathogenic.

Labcorp Genetics (formerly Invitae), Labcorp
Classification: Pathogenic. Last evaluated: 2023-07-24. Review status: criteria provided, single submitter. Criteria: Invitae Variant Classification Sherloc (09022015). Collection method: clinical testing. Allele origin: germline.
Comment: For these reasons, this variant has been classified as Pathogenic. ClinVar contains an entry for this variant (Variation ID: 5649). This premature translational stop signal has been observed in individual(s) with primary hyperoxaluria type 1 (PMID: 9192270). This variant is not present in population databases (gnomAD no frequency). This sequence change creates a premature translational stop signal (p.Trp246*) in the AGXT gene. It is expected to result in an absent or disrupted protein product. Loss-of-function variants in AGXT are known to be pathogenic (PMID: 19479957).

Clinical Biochemistry Laboratory, Health Services Laboratory
Classification: Pathogenic for Primary hyperoxaluria, type I. Last evaluated: 2014-11-27. Review status: no assertion criteria provided. Collection method: research. Allele origin: germline. Affected: yes. Not counted in ClinVar's aggregate classification.

OMIM
Classification: Pathogenic for HYPEROXALURIA, PRIMARY, TYPE I. Last evaluated: 1997-06-01. Review status: no assertion criteria provided. Collection method: literature only. Allele origin: germline. Not counted in ClinVar's aggregate classification.

GeneReviews
No classification provided. Condition: Primary hyperoxaluria, type I. Review status: no classification provided. Collection method: literature only. Allele origin: germline. Affected: yes. Not counted in ClinVar's aggregate classification.

Literature cited by the submitters: PubMed 17460142 (cited by Natera, Inc.); PubMed 25629080 (cited by Natera, Inc.); PubMed 9192270 (cited by 3 submitters); PubMed 19479957 (cited by Labcorp Genetics (formerly Invitae), Labcorp); NCBI Bookshelf NBK1283 (cited by GeneReviews).